The following is an entry in ClinVar:

ClinVar aggregate classification (germline): Conflicting classifications of pathogenicity. Review status: criteria provided, conflicting classifications (1 of 4 stars). 5 submissions from 5 submitters: Likely pathogenic (3); Uncertain significance (2). Last evaluated 2026-08-18.

Conditions:
Smith-Lemli-Opitz syndrome (SLOS). Also called: LETHAL ACRODYSGENITAL SYNDROME; POLYDACTYLY, SEX REVERSAL, RENAL HYPOPLASIA, AND UNILOBAR LUNG; RSH SYNDROME; RUTLEDGE LETHAL MULTIPLE CONGENITAL ANOMALY SYNDROME; 7-Dehydrocholesterol reductase deficiency. Identifiers: Orphanet 818, MedGen C0175694, MONDO:0010035, OMIM 270400.

Allele frequency attached by ClinVar (database versions not stated): TOPMed below 0.00001; ExAC 0.00001; gnomAD 0.00001; gnomAD exomes 0.00004.

Submissions (5):

Myriad Genetics, Inc.
Classification: Uncertain significance for Smith-Lemli-Opitz syndrome. Last evaluated: 2026-08-18. Review status: criteria provided, single submitter. Criteria: Myriad Autosomal Dominant, Autosomal Recessive and X-Linked Classification Criteria (2023). Collection method: clinical testing. Allele origin: unknown.
Comment: NM_001360.2(DHCR7):c.1348C>T(R450C) is a missense variant classified as a variant of uncertain significance in the context of Smith-Lemli-Opitz syndrome. R450C has not been observed in cases with relevant disease. Relevant functional assessments of this variant are not available in the literature. R450C has been observed in referenced population frequency databases. In summary, there is insufficient evidence to classify NM_001360.2(DHCR7):c.1348C>T(R450C) as pathogenic or benign. Please note: this variant was assessed in the context of healthy population screening.

GeneDx
Classification: Likely pathogenic. Last evaluated: 2026-04-26. Review status: criteria provided, single submitter. Criteria: GeneDx Variant Classification Process June 2021. Collection method: clinical testing. Allele origin: germline.
Comment: Not observed at significant frequency in large population cohorts (gnomAD); In silico analysis supports that this missense variant has a deleterious effect on protein structure/function; Has not been previously published as pathogenic or benign to our knowledge; This variant is associated with the following publications: (PMID: 16181459)

Labcorp Genetics (formerly Invitae), Labcorp
Classification: Likely pathogenic for Smith-Lemli-Opitz syndrome. Last evaluated: 2025-06-10. Review status: criteria provided, single submitter. Criteria: Invitae Variant Classification Sherloc (09022015). Collection method: clinical testing. Allele origin: germline.
Comment: This sequence change replaces arginine, which is basic and polar, with cysteine, which is neutral and slightly polar, at codon 450 of the DHCR7 protein (p.Arg450Cys). This variant is present in population databases (rs765154144, gnomAD 0.002%). This variant has not been reported in the literature in individuals affected with DHCR7-related conditions. ClinVar contains an entry for this variant (Variation ID: 2174465). Invitae Evidence Modeling of protein sequence and biophysical properties (such as structural, functional, and spatial information, amino acid conservation, physicochemical variation, residue mobility, and thermodynamic stability) indicates that this missense variant is expected to disrupt DHCR7 protein function with a positive predictive value of 95%. This variant disrupts the p.Arg450 amino acid residue in DHCR7. Other variant(s) that disrupt this residue have been determined to be pathogenic (PMID: 9714006, 10405455, 10677299, 15896653, 16181459, 22391996, 25405082). This suggests that this residue is clinically significant, and that variants that disrupt this residue are likely to be disease-causing. In summary, the currently available evidence indicates that the variant is pathogenic, but additional data are needed to prove that conclusively. Therefore, this variant has been classified as Likely Pathogenic.

Laboratory of Genetics, Children's Clinical University Hospital Latvia
Classification: Likely pathogenic. Last evaluated: 2025-02-16. Review status: criteria provided, single submitter. Criteria: ACMG Guidelines, 2015. Collection method: clinical testing. Allele origin: germline. Affected: yes.

Juno Genomics, Hangzhou Juno Genomics, Inc
Classification: Uncertain significance for Smith-Lemli-Opitz syndrome. Review status: criteria provided, single submitter. Criteria: ACMG Guidelines, 2015. Collection method: clinical testing. Allele origin: germline.
Comment: Absent from controls (or at extremely low frequency if recessive) in Genome Aggregation Database.;Multiple lines of computational evidence support a deleterious effect on the gene or gene product.

Literature cited by the submitters: PubMed 9714006 (cited by Labcorp Genetics (formerly Invitae), Labcorp); PubMed 10405455 (cited by Labcorp Genetics (formerly Invitae), Labcorp); PubMed 10677299 (cited by Labcorp Genetics (formerly Invitae), Labcorp); PubMed 15896653 (cited by Labcorp Genetics (formerly Invitae), Labcorp); PubMed 16181459 (cited by Labcorp Genetics (formerly Invitae), Labcorp); PubMed 22391996 (cited by Labcorp Genetics (formerly Invitae), Labcorp); PubMed 25405082 (cited by Labcorp Genetics (formerly Invitae), Labcorp).

NM_001360.3(DHCR7):c.1348C>T (p.Arg450Cys)

Gene: DHCR7 (7-dehydrocholesterol reductase; minus strand). Cytogenetic location: 11q13.4.
Variant type: single nucleotide variant.
Coding change: c.1348C>T on transcript NM_001360.3 (MANE Select); coding-DNA position 1348, C replaced by T.
Protein change: p.Arg450Cys; replaces arginine 450 with cysteine.
Molecular consequence: missense variant.
Genome position (GRCh38, 1-based): chr11:71,435,455, G>A on the plus strand (C>T on the coding strand, the complement: DHCR7 is on the minus strand). VCF-style: chr11-71435455-G-A. GRCh37 (hg19) VCF-style: chr11-71146501-G-A.
Other names: c.1348C>T, p.Arg450Cys (NM_001163817.2); short protein forms R450C.
Identifiers: ClinVar variation 2174465 (VCV002174465.8), dbSNP rs765154144, ClinGen allele CA6162254.